The following is an entry in ClinVar:

NM_001244710.2(GFPT1):c.*603G>A

Gene: GFPT1 (glutamine--fructose-6-phosphate transaminase 1; minus strand). Cytogenetic location: 2p13.3.
Variant type: single nucleotide variant.
Coding change: c.*603G>A on transcript NM_001244710.2 (MANE Select); 603 bases downstream of the stop codon, G replaced by A.
Molecular consequence: 3 prime UTR variant.
Genome position (GRCh38, 1-based): chr2:69,325,586, C>T on the plus strand (G>A on the coding strand, the complement: GFPT1 is on the minus strand). VCF-style: chr2-69325586-C-T. GRCh37 (hg19) VCF-style: chr2-69552718-C-T.
Other names: c.*603G>A (NM_002056.4).
Identifiers: ClinVar variation 336862 (VCV000336862.5), dbSNP rs78097440, ClinGen allele CA10613854.
Genomic context (GRCh38, chr2:69,325,586, plus strand): 5'-TTAAGGATTGAGACCCACCAATGCACTACTGTAATATTTCGCTTCCTAAATTTCTTCCAC[C>T]TACAGATAATAGACAACAAGTCTGAGAAACTAAGGCTAACCAAACTTAGATATAAATCCT-3'

ClinVar aggregate classification (germline): Benign (1 of 4 stars; one submission).

Conditions:
Congenital myasthenic syndrome 12 (CMS12). Also called: MYASTHENIC SYNDROME, CONGENITAL, WITH TUBULAR AGGREGATES 1; Myasthenia, congenital, 12, with tubular aggregates. Identifiers: Orphanet 353327, Orphanet 590, MedGen C3552335, MONDO:0012518, OMIM 610542.

Allele frequency attached by ClinVar (database versions not stated): 1000 Genomes Project 0.01118; gnomAD 0.01147 and 0.01222; 1000 Genomes Project 30x 0.01171; TOPMed 0.01352.

Submission:

Illumina Laboratory Services, Illumina
Classification: Benign for Congenital myasthenic syndrome 12. Last evaluated: 2018-01-12. Review status: criteria provided, single submitter. Criteria: ICSL Variant Classification Criteria 13 December 2019. Collection method: clinical testing. Allele origin: germline.
Comment: This variant was observed in the ICSL laboratory as part of a predisposition screen in an ostensibly healthy population. It had not been previously curated by ICSL or reported in the Human Gene Mutation Database (HGMD: prior to June 1st, 2018), and was therefore a candidate for classification through an automated scoring system. Utilizing variant allele frequency, disease prevalence and penetrance estimates, and inheritance mode, an automated score was calculated to assess if this variant is too frequent to cause the disease. Based on the score and internal cut-off values, a variant classified as benign is not then subjected to further curation. The score for this variant resulted in a classification of benign for this disease.